The following is an entry in ClinVar:

NM_004168.4(SDHA):c.1131C>T (p.Ala377=)

Gene: SDHA (succinate dehydrogenase complex flavoprotein subunit A; plus strand). Cytogenetic location: 5p15.33.
Variant type: single nucleotide variant.
Coding change: c.1131C>T on transcript NM_004168.4 (MANE Select); coding-DNA position 1131, C replaced by T.
Protein change: p.Ala377=; no amino-acid change (alanine 377 retained).
Molecular consequence: synonymous variant.
Genome position (GRCh38, 1-based): chr5:235,210, C>T. VCF-style: chr5-235210-C-T. GRCh37 (hg19) VCF-style: chr5-235325-C-T.
Other names: c.987C>T, p.Ala329= (NM_001294332.2); c.1131C>T, p.Ala377= (NM_001330758.2).
Identifiers: ClinVar variation 1657667 (VCV001657667.11), dbSNP rs2126584661, ClinGen allele CA442691962.

ClinVar aggregate classification (germline): Benign/Likely benign. Review status: criteria provided, multiple submitters, no conflicts (2 of 4 stars). 3 submissions from 3 submitters: Benign (1); Likely benign (2). Last evaluated 2025-03-07.

Conditions:
Hereditary cancer-predisposing syndrome. Also called: Hereditary Cancer Syndrome; Hereditary neoplastic syndrome; Neoplastic Syndromes, Hereditary; Tumor predisposition. Identifiers: Orphanet 140162, MedGen C0027672, MeSH D009386, MONDO:0015356.
Pheochromocytoma/paraganglioma syndrome 5. Also called: Paragangliomas 5; SDHA-Related Hereditary Paraganglioma-Pheochromocytoma Syndrome. Identifiers: Orphanet 29072, MedGen C3279992, MONDO:0013602, OMIM 614165.
Mitochondrial complex II deficiency, nuclear type 1. Also called: SUCCINATE CoQ REDUCTASE DEFICIENCY. Identifiers: Orphanet 3208, MedGen C5700310, MONDO:0100294, OMIM 252011.

Allele frequency attached by ClinVar (database versions not stated): gnomAD exomes below 0.00001.
gnomAD v4.1: 2 of 1,613,972 alleles (0.00012%); highest among the groups gnomAD compares: Non-Finnish European, 0.00017%; no homozygotes.

Submissions (3):

Myriad Genetics, Inc.
Classification: Benign for Pheochromocytoma/paraganglioma syndrome 5. Last evaluated: 2025-03-07. Review status: criteria provided, single submitter. Criteria: Myriad Autosomal Dominant, Autosomal Recessive and X-Linked Classification Criteria (2023). Collection method: clinical testing. Allele origin: unknown.
Comment: This variant is considered benign. This variant is a silent/synonymous amino acid change and it is not expected to impact splicing.

Labcorp Genetics (formerly Invitae), Labcorp
Classification: Likely benign for Pheochromocytoma/paraganglioma syndrome 5; Mitochondrial complex II deficiency, nuclear type 1. Last evaluated: 2024-08-05. Review status: criteria provided, single submitter. Criteria: Invitae Variant Classification Sherloc (09022015). Collection method: clinical testing. Allele origin: germline.

Ambry Genetics
Classification: Likely benign for Hereditary cancer-predisposing syndrome. Last evaluated: 2022-08-07. Review status: criteria provided, single submitter. Criteria: Ambry Variant Classification Scheme 2023. Collection method: clinical testing. Allele origin: germline.